The following is an entry in ClinVar:

NM_001165963.4(SCN1A):c.383+5C>G

Gene: SCN1A (sodium voltage-gated channel alpha subunit 1; minus strand). Cytogenetic location: 2q24.3.
Variant type: single nucleotide variant.
Coding change: c.383+5C>G on transcript NM_001165963.4 (MANE Select); 5 bases into the intron after coding-DNA position 383, C replaced by G.
Molecular consequence: intron variant.
Genome position (GRCh38, 1-based): chr2:166,058,565, G>C on the plus strand (C>G on the coding strand, the complement: SCN1A is on the minus strand). VCF-style: chr2-166058565-G-C. GRCh37 (hg19) VCF-style: chr2-166915075-G-C.
Other names: c.383+5C>G (NM_001353949.2, NM_001353958.2, NM_001353950.2 and 10 more transcripts); c.-2043+5C>G (NM_001353961.2).
Identifiers: ClinVar variation 408924 (VCV000408924.8), dbSNP rs1060502185, ClinGen allele CA16610169.
Genomic context (GRCh38, chr2:166,058,565, plus strand): 5'-TTTAGCTATAAAGTGCTTACAGATCATGTACAAATAGTTAATATTAATCACTTGAAAAAG[G>C]ATATGAATGTACCAAAATCTTAATAGCTATTTTCCTAAGAGGATTGAAGGGAGTTAAAAT-3'

ClinVar aggregate classification (germline): Likely pathogenic. Review status: criteria provided, multiple submitters, no conflicts (2 of 4 stars). 2 submissions from 2 submitters: Likely pathogenic (2). Last evaluated 2025-12-04.

Conditions:
Autosomal dominant SCN1A-related disorders.
Early-infantile DEE. Also called: Early infantile epileptic encephalopathy with suppression bursts; Ohtahara syndrome; Early infantile epileptic encephalopathy. Identifiers: Orphanet 1934, MedGen C0393706, MONDO:0800491.

Submissions (2):

Variantyx, Inc.
Classification: Likely pathogenic for Autosomal dominant SCN1A-related disorders. Last evaluated: 2025-12-04. Review status: criteria provided, single submitter. Criteria: Variantyx Assertion Criteria 2022. Collection method: clinical testing. Allele origin: de novo. Inheritance: Autosomal dominant inheritance. Affected: yes.
Comment: This is an intronic variant in the SCN1A gene (OMIM: 182389). Pathogenic variants in this gene have been associated with autosomal dominant SCN1A-related disorders. An alternate nucleotide change at the same site (c.383+5C>A) has been previously reported as likely pathogenic (PS1_Supporting). This variant is absent from control populations (PM2). Based on the current evidence, this variant is classified as likely pathogenic for autosomal dominant SCN1A-related disorders.

Labcorp Genetics (formerly Invitae), Labcorp
Classification: Likely pathogenic for Early-infantile DEE. Last evaluated: 2021-10-24. Review status: criteria provided, single submitter. Criteria: Invitae Variant Classification Sherloc (09022015). Collection method: clinical testing. Allele origin: germline.
Comment: This sequence change falls in intron 2 of the SCN1A gene. It does not directly change the encoded amino acid sequence of the SCN1A protein. It affects a nucleotide within the consensus splice site. In summary, the currently available evidence indicates that the variant is pathogenic, but additional data are needed to prove that conclusively. Therefore, this variant has been classified as Likely Pathogenic. Variants that disrupt the consensus splice site are a relatively common cause of aberrant splicing (PMID: 17576681, 9536098). ClinVar contains an entry for this variant (Variation ID: 408924). This variant has been observed in individual(s) with seizures (Invitae). In at least one individual the variant was observed to be de novo. This variant is not present in population databases (gnomAD no frequency).

Literature cited by the submitters: PubMed 31440721 (cited by Variantyx, Inc.); PubMed 17576681 (cited by Labcorp Genetics (formerly Invitae), Labcorp); PubMed 9536098 (cited by Labcorp Genetics (formerly Invitae), Labcorp).